The following is an entry in ClinVar:

ClinVar aggregate classification (germline): Uncertain significance (1 of 4 stars; one submission).

Submission:

Labcorp Genetics (formerly Invitae), Labcorp
Classification: Uncertain significance. Last evaluated: 2023-02-16. Review status: criteria provided, single submitter. Criteria: Invitae Variant Classification Sherloc (09022015). Collection method: clinical testing. Allele origin: germline.
Comment: Variants that disrupt the consensus splice site are a relatively common cause of aberrant splicing (PMID: 17576681, 9536098). Algorithms developed to predict the effect of sequence changes on RNA splicing suggest that this variant is not likely to affect RNA splicing. This sequence change falls in intron 16 of the KAT6A gene. It does not directly change the encoded amino acid sequence of the KAT6A protein. It affects a nucleotide within the consensus splice site. This variant is not present in population databases (gnomAD no frequency). This variant has not been reported in the literature in individuals affected with KAT6A-related conditions. In summary, the available evidence is currently insufficient to determine the role of this variant in disease. Therefore, it has been classified as a Variant of Uncertain Significance.

Literature cited by the submitters: PubMed 17576681; PubMed 9536098.

NM_006766.5(KAT6A):c.3352+6T>G

Gene: KAT6A (lysine acetyltransferase 6A; minus strand). Cytogenetic location: 8p11.21.
Variant type: single nucleotide variant.
Coding change: c.3352+6T>G on transcript NM_006766.5 (MANE Select); 6 bases into the intron after coding-DNA position 3352, T replaced by G.
Molecular consequence: intron variant.
Genome position (GRCh38, 1-based): chr8:41,937,250, A>C on the plus strand (T>G on the coding strand, the complement: KAT6A is on the minus strand). VCF-style: chr8-41937250-A-C. GRCh37 (hg19) VCF-style: chr8-41794768-A-C.
Identifiers: ClinVar variation 2838332 (VCV002838332.3), dbSNP rs2486762921, ClinGen allele CA2739279420.